The following is an entry in ClinVar:

NM_006206.6(PDGFRA):c.1189C>G (p.Gln397Glu)

Gene: PDGFRA (platelet derived growth factor receptor alpha; plus strand). Cytogenetic location: 4q12.
Variant type: single nucleotide variant.
Coding change: c.1189C>G on transcript NM_006206.6 (MANE Select); coding-DNA position 1189, C replaced by G.
Protein change: p.Gln397Glu; replaces glutamine 397 with glutamic acid.
Molecular consequence: missense variant.
Genome position (GRCh38, 1-based): chr4:54,270,700, C>G. VCF-style: chr4-54270700-C-G. GRCh37 (hg19) VCF-style: chr4-55136867-C-G.
Other names: c.1189C>G, p.Gln397Glu (NM_001347829.2, NM_001347827.2); c.1228C>G, p.Gln410Glu (NM_001347830.2); c.1264C>G, p.Gln422Glu (NM_001347828.2); short protein forms Q397E, Q422E, Q410E.
Identifiers: ClinVar variation 583251 (VCV000583251.10), dbSNP rs1467315284, ClinGen allele CA356892011.

ClinVar aggregate classification (germline): Uncertain significance. Review status: criteria provided, multiple submitters, no conflicts (2 of 4 stars). 2 submissions from 2 submitters: Uncertain significance (2). Last evaluated 2025-08-29.

Conditions:
Hereditary cancer-predisposing syndrome. Also called: Hereditary Cancer Syndrome; Tumor predisposition; Neoplastic Syndromes, Hereditary; Hereditary neoplastic syndrome. Identifiers: Orphanet 140162, MedGen C0027672, MeSH D009386, MONDO:0015356.
Gastrointestinal stromal tumor. Also called: Gastrointestinal stromal tumor, somatic; Gastrointestinal stroma tumor. Identifiers: Orphanet 44890, MedGen C0238198, MeSH D046152, MONDO:0011719, OMIM 606764, HP:0100723.

Allele frequency attached by ClinVar (database versions not stated): gnomAD exomes below 0.00001.
gnomAD v4.1: 3 of 1,611,370 alleles (0.00019%); highest among the groups gnomAD compares: South Asian, 0.0033%; no homozygotes.

Submissions (2):

Ambry Genetics
Classification: Uncertain significance for Hereditary cancer-predisposing syndrome. Last evaluated: 2025-08-29. Review status: criteria provided, single submitter. Criteria: Ambry Variant Classification Scheme 2023. Collection method: clinical testing. Allele origin: germline.
Comment: The p.Q397E variant (also known as c.1189C>G), located in coding exon 7 of the PDGFRA gene, results from a C to G substitution at nucleotide position 1189. The glutamine at codon 397 is replaced by glutamic acid, an amino acid with highly similar properties. This amino acid position is conserved. In addition, this alteration is predicted to be tolerated by in silico analysis. Based on the available evidence, the clinical significance of this variant remains unclear.

Labcorp Genetics (formerly Invitae), Labcorp
Classification: Uncertain significance for Gastrointestinal stromal tumor. Last evaluated: 2018-04-27. Review status: criteria provided, single submitter. Criteria: Invitae Variant Classification Sherloc (09022015). Collection method: clinical testing. Allele origin: germline.
Comment: This sequence change replaces glutamine with glutamic acid at codon 397 of the PDGFRA protein (p.Gln397Glu). The glutamine residue is moderately conserved and there is a small physicochemical difference between glutamine and glutamic acid. This variant is not present in population databases (ExAC no frequency). This variant has not been reported in the literature in individuals with PDGFRA-related disease. Algorithms developed to predict the effect of missense changes on protein structure and function output the following: SIFT: "Tolerated"; PolyPhen-2: "Benign"; Align-GVGD: "Class C0". The glutamic acid amino acid residue is found in multiple mammalian species, suggesting that this missense change does not adversely affect protein function. These predictions have not been confirmed by published functional studies and their clinical significance is uncertain. In summary, the available evidence is currently insufficient to determine the role of this variant in disease. Therefore, it has been classified as a Variant of Uncertain Significance.